The following is an entry in ClinVar:

NM_177438.3(DICER1):c.4573G>T (p.Val1525Leu)

Gene: DICER1 (dicer 1, ribonuclease III; minus strand). Cytogenetic location: 14q32.13.
Variant type: single nucleotide variant.
Coding change: c.4573G>T on transcript NM_177438.3 (MANE Select); coding-DNA position 4573, G replaced by T.
Protein change: p.Val1525Leu; replaces valine 1525 with leucine.
Molecular consequence: missense variant. On other transcripts: non-coding transcript variant (6).
Genome position (GRCh38, 1-based): chr14:95,096,347, C>A on the plus strand (G>T on the coding strand, the complement: DICER1 is on the minus strand). VCF-style: chr14-95096347-C-A. GRCh37 (hg19) VCF-style: chr14-95562684-C-A.
Other names: c.4573G>T, p.Val1525Leu (NM_001195573.1, NM_001271282.3, NM_001291628.2 and 13 more transcripts); c.4291G>T, p.Val1431Leu (NM_001395686.1); c.4168G>T, p.Val1390Leu (NM_001395687.1, NM_001395688.1, NM_001395689.1 and 2 more transcripts); c.4006G>T, p.Val1336Leu (NM_001395691.1); c.2890G>T, p.Val964Leu (NM_001395697.1); short protein forms V1336L, V1525L, V964L, V1390L, V1431L.
Identifiers: ClinVar variation 2098262 (VCV002098262.4), dbSNP rs2139847920, ClinGen allele CA390867783.
Genomic context (GRCh38, chr14:95,096,347, plus strand): 5'-AAATGGACTGCTTTCCCGTGTCAACACCACAGTTTTCTTCTGATGGATTCCAGAACCCCA[C>A]CACAAAGTCATCTTCTTCAACAGCTTTGCTAGGATCCAGATAGCACATTGCATCCCAAGA-3'
Protein context (NP_803187.1, residues 1515-1535): SKAVEEDDFV[Val1525Leu]GFWNPSEENC

ClinVar aggregate classification (germline): Uncertain significance (1 of 4 stars; one submission).

Conditions:
DICER1-related tumor predisposition. Also called: DICER1-related pleuropulmonary blastoma cancer predisposition syndrome; DICER1 syndrome. Identifiers: Orphanet 284343, MedGen C3839822, MONDO:0100216.

Submission:

Labcorp Genetics (formerly Invitae), Labcorp
Classification: Uncertain significance for DICER1-related tumor predisposition. Last evaluated: 2022-02-18. Review status: criteria provided, single submitter. Criteria: Invitae Variant Classification Sherloc (09022015). Collection method: clinical testing. Allele origin: germline.
Comment: This sequence change replaces valine, which is neutral and non-polar, with leucine, which is neutral and non-polar, at codon 1525 of the DICER1 protein (p.Val1525Leu). This variant is not present in population databases (gnomAD no frequency). In summary, the available evidence is currently insufficient to determine the role of this variant in disease. Therefore, it has been classified as a Variant of Uncertain Significance. Algorithms developed to predict the effect of missense changes on protein structure and function are either unavailable or do not agree on the potential impact of this missense change (SIFT: "Deleterious"; PolyPhen-2: "Probably Damaging"; Align-GVGD: "Class C0"). This variant has not been reported in the literature in individuals affected with DICER1-related conditions.